The following is an entry in ClinVar:

ClinVar aggregate classification (germline): Uncertain significance (1 of 4 stars; one submission).

Conditions:
Ectodermal dysplasia and immunodeficiency 2. Identifiers: Orphanet 238468, Orphanet 98813, MedGen C2677481, MONDO:0012806, OMIM 612132.

Submission:

Labcorp Genetics (formerly Invitae), Labcorp
Classification: Uncertain significance for Ectodermal dysplasia and immunodeficiency 2. Last evaluated: 2024-10-24. Review status: criteria provided, single submitter. Criteria: Invitae Variant Classification Sherloc (09022015). Collection method: clinical testing. Allele origin: germline.
Comment: This sequence change falls in intron 1 of the NFKBIA gene. It does not directly change the encoded amino acid sequence of the NFKBIA protein. It affects a nucleotide within the consensus splice site. This variant is not present in population databases (gnomAD no frequency). This variant has not been reported in the literature in individuals affected with NFKBIA-related conditions. ClinVar contains an entry for this variant (Variation ID: 2113492). Variants that disrupt the consensus splice site are a relatively common cause of aberrant splicing (PMID: 17576681, 9536098). Algorithms developed to predict the effect of sequence changes on RNA splicing suggest that this variant may disrupt the consensus splice site. In summary, the available evidence is currently insufficient to determine the role of this variant in disease. Therefore, it has been classified as a Variant of Uncertain Significance.

Literature cited by the submitters: PubMed 17576681; PubMed 9536098.

NM_020529.3(NFKBIA):c.227+5G>A

Genes: NFKBIA (NFKB inhibitor alpha; minus strand), LOC130055496 (ATAC-STARR-seq lymphoblastoid silent region 5675; plus strand). Cytogenetic location: 14q13.2.
Variant type: single nucleotide variant.
Coding change: c.227+5G>A on transcript NM_020529.3 (MANE Select); 5 bases into the intron after coding-DNA position 227, G replaced by A.
Molecular consequence: intron variant.
Genome position (GRCh38, 1-based): chr14:35,404,413, C>T on the plus strand (G>A on the coding strand, the complement: NFKBIA is on the minus strand). VCF-style: chr14-35404413-C-T. GRCh37 (hg19) VCF-style: chr14-35873619-C-T.
Identifiers: ClinVar variation 2113492 (VCV002113492.4), dbSNP rs2502188130, ClinGen allele CA2580088061.